The following is an entry in ClinVar:

ClinVar aggregate classification (germline): Uncertain significance (1 of 4 stars; one submission).

Allele frequency attached by ClinVar (database versions not stated): gnomAD exomes below 0.00001; TOPMed 0.00001.

Submission:

GeneDx
Classification: Uncertain significance. Last evaluated: 2022-06-13. Review status: criteria provided, single submitter. Criteria: GeneDx Variant Classification Process June 2021. Collection method: clinical testing. Allele origin: germline. Affected: yes.
Comment: Not observed at significant frequency in large population cohorts (gnomAD); In silico analysis supports that this missense variant has a deleterious effect on protein structure/function; Has not been previously published as pathogenic or benign to our knowledge

NM_021971.4(GMPPB):c.769G>A (p.Asp257Asn)

Gene: GMPPB (GDP-mannose pyrophosphorylase B; minus strand). Cytogenetic location: 3p21.31.
Variant type: single nucleotide variant.
Coding change: c.769G>A on transcript NM_021971.4 (MANE Select); coding-DNA position 769, G replaced by A.
Protein change: p.Asp257Asn; replaces aspartic acid 257 with asparagine.
Molecular consequence: missense variant.
Genome position (GRCh38, 1-based): chr3:49,722,147, C>T on the plus strand (G>A on the coding strand, the complement: GMPPB is on the minus strand). VCF-style: chr3-49722147-C-T. GRCh37 (hg19) VCF-style: chr3-49759580-C-T.
Other names: c.769G>A, p.Asp257Asn (NM_013334.4); short protein forms D257N.
Identifiers: ClinVar variation 1804446 (VCV001804446.1), dbSNP rs2080423623, ClinGen allele CA352827860.